The following is an entry in ClinVar:

NM_000179.3(MSH6):c.947G>A (p.Arg316Lys)

Gene: MSH6 (mutS homolog 6; plus strand). Cytogenetic location: 2p16.3.
Variant type: single nucleotide variant.
Coding change: c.947G>A on transcript NM_000179.3 (MANE Select); coding-DNA position 947, G replaced by A.
Protein change: p.Arg316Lys; replaces arginine 316 with lysine.
Molecular consequence: missense variant.
Genome position (GRCh38, 1-based): chr2:47,798,930, G>A. VCF-style: chr2-47798930-G-A. GRCh37 (hg19) VCF-style: chr2-48026069-G-A.
Other names: c.557G>A, p.Arg186Lys (NM_001281492.2); c.41G>A, p.Arg14Lys (NM_001281493.2, NM_001281494.2); short protein forms R316K, R14K, R186K.
Identifiers: ClinVar variation 483885 (VCV000483885.19), dbSNP rs562487553, ClinGen allele CA073615.

ClinVar aggregate classification (germline): Conflicting classifications of pathogenicity. Review status: criteria provided, conflicting classifications (1 of 4 stars). 5 submissions from 5 submitters: Uncertain significance (3); Benign (1); Likely benign (1). Last evaluated 2025-11-25.

Conditions:
Hereditary nonpolyposis colorectal neoplasms. Identifiers: MedGen C0009405, MeSH D003123.
Lynch syndrome. Identifiers: Orphanet 144, MedGen C4552100, MONDO:0005835. Disease mechanism: loss of function.
Hereditary cancer-predisposing syndrome. Also called: Neoplastic Syndromes, Hereditary; Tumor predisposition; Hereditary Cancer Syndrome; Hereditary neoplastic syndrome. Identifiers: Orphanet 140162, MedGen C0027672, MeSH D009386, MONDO:0015356.
Mismatch repair cancer syndrome 3. Identifiers: MedGen C5436807, MONDO:0030841, OMIM 619097.
Endometrial carcinoma. Also called: Endometrial carcinoma, somatic. Identifiers: MedGen C0476089, MONDO:0002447, OMIM 608089, HP:0012114.
Lynch syndrome 5 (LYNCH5). Also called: Colorectal cancer, hereditary nonpolyposis, type 5; Hereditary non-polyposis colorectal cancer, type 5. Identifiers: Orphanet 144, MedGen C1833477, MONDO:0013710, OMIM 614350. Disease mechanism: loss of function.

Allele frequency attached by ClinVar (database versions not stated): gnomAD exomes below 0.00001 and 0.00001; gnomAD 0.00001; ExAC 0.00002; 1000 Genomes Project 30x 0.00016; 1000 Genomes Project 0.00020.
gnomAD v4.1: 2 of 1,614,122 alleles (0.00012%); highest among the groups gnomAD compares: African/African-American, 0.0013%; no homozygotes.

Submissions (5):

Labcorp Genetics (formerly Invitae), Labcorp
Classification: Benign for Hereditary nonpolyposis colorectal neoplasms. Last evaluated: 2025-11-25. Review status: criteria provided, single submitter. Criteria: Invitae Variant Classification Sherloc (09022015). Collection method: clinical testing. Allele origin: germline.

Color Diagnostics, LLC DBA Color Health
Classification: Likely benign for Hereditary cancer-predisposing syndrome. Last evaluated: 2025-07-30. Review status: criteria provided, single submitter. Criteria: ACMG Guidelines, 2015. Collection method: clinical testing. Allele origin: germline.

Ambry Genetics
Classification: Uncertain significance for Hereditary cancer-predisposing syndrome. Last evaluated: 2024-01-30. Review status: criteria provided, single submitter. Criteria: Ambry Variant Classification Scheme 2023. Collection method: clinical testing. Allele origin: germline.
Comment: The p.R316K variant (also known as c.947G>A), located in coding exon 4 of the MSH6 gene, results from a G to A substitution at nucleotide position 947. The arginine at codon 316 is replaced by lysine, an amino acid with highly similar properties. In a study of whole-exome sequencing in patients with features of Cowden syndrome (CS) or Bannayan-Riley-Ruvalcaba syndrome (BRRS) and negative PTEN testing, this alteration was identified in 0/87 patients with CS or BRRS and 1/3476 patients from The Cancer Genome Atlas (TCGA) (Yehia L et al. PLoS Genet, 2018 04;14:e1007352). This amino acid position is not well conserved in available vertebrate species. In addition, this alteration is predicted to be tolerated by in silico analysis. Since supporting evidence is limited at this time, the clinical significance of this alteration remains unclear.

All of Us Research Program, National Institutes of Health
Classification: Uncertain significance for Lynch syndrome. Last evaluated: 2023-11-30. Review status: criteria provided, single submitter. Criteria: ACMG Guidelines, 2015. Collection method: clinical testing. Allele origin: germline. Inheritance: Autosomal dominant inheritance. Observed: 1 variant allele, 1 heterozygote.
Comment: This missense variant replaces arginine with lysine at codon 316 of the MSH6 protein. Computational prediction tools and conservation analyses suggest that this variant may not impact the protein function. Computational splicing tools suggest that this variant may not impact RNA splicing. To our knowledge, functional assays have not been performed for this variant nor has this variant been reported in individuals affected with hereditary cancer in the literature. This variant has been identified in 2/251316 chromosomes in the general population by the Genome Aggregation Database (gnomAD). Available evidence is insufficient to determine the role of this variant in disease conclusively. Therefore, this variant is classified as a Variant of Uncertain Significance.

This study involves interpretation of variants in research participants for the purpose of population health screening. Participant phenotype was not available at the time of variant classification. Additional details can be found in publication PMID: 35346344, PMCID: PMC8962531

Department of Pathology and Laboratory Medicine, Sinai Health System
Classification: Uncertain significance for Endometrial carcinoma; Lynch syndrome 5; Mismatch repair cancer syndrome 3. Last evaluated: 2021-06-01. Review status: criteria provided, single submitter. Criteria: ACMG Guidelines, 2015. Collection method: clinical testing. Allele origin: germline. Affected: yes.

Literature cited by the submitters: PubMed 29684080 (cited by Ambry Genetics).